The following is an entry in ClinVar:

NM_001205293.3(CACNA1E):c.3990-9T>A

Gene: CACNA1E (calcium voltage-gated channel subunit alpha1 E; plus strand). Cytogenetic location: 1q25.3.
Variant type: single nucleotide variant.
Coding change: c.3990-9T>A on transcript NM_001205293.3 (MANE Select); 9 bases into the intron before coding-DNA position 3990, T replaced by A.
Molecular consequence: intron variant.
Genome position (GRCh38, 1-based): chr1:181,755,947, T>A. VCF-style: chr1-181755947-T-A. GRCh37 (hg19) VCF-style: chr1-181725083-T-A.
Other names: c.3990-9T>A (NM_000721.4); c.3933-9T>A (NM_001205294.2).
Identifiers: ClinVar variation 3906809 (VCV003906809.1).
Genomic context (GRCh38, chr1:181,755,947, plus strand): 5'-AATGTGCTGACTCTTCTGTAGAATGAGCTATAGTGAGGAGGCTCTCTTTCATTTCTGCTC[T>A]GGTTTTAGAGGCAACTATGTAGATCATGAGAAAAACAAGATGGAGGTGAAGGGCCGGGAA-3'

ClinVar aggregate classification (germline): Uncertain significance (1 of 4 stars; one submission).

Submission:

GeneDx
Classification: Uncertain significance. Last evaluated: 2024-12-18. Review status: criteria provided, single submitter. Criteria: GeneDx Variant Classification Process June 2021. Collection method: clinical testing. Allele origin: germline. Affected: yes.
Comment: Not observed at significant frequency in large population cohorts (gnomAD); In silico analysis supports a deleterious effect on splicing; Has not been previously published as pathogenic or benign to our knowledge